The following is an entry in ClinVar:

ClinVar aggregate classification (germline): Uncertain significance (1 of 4 stars; one submission).

Conditions:
TTN-related disorder. Also called: TTN-related disorders; TTN-related condition; TTN-related disease.

gnomAD v4.1: 12 of 1,613,114 alleles (0.00074%); highest among the groups gnomAD compares: African/African-American, 0.0013%; no homozygotes.

Submission:

PreventionGenetics, part of Exact Sciences
Classification: Uncertain significance for TTN-related condition. Last evaluated: 2025-10-20. Review status: criteria provided, single submitter. Criteria: ACMG Guidelines, 2015. Collection method: clinical testing. Allele origin: germline.
Comment: The TTN c.69215T>A variant is predicted to result in the amino acid substitution p.Ile23072Asn. To our knowledge, this variant has not been reported in the literature. This variant is reported in 0.011% of alleles in individuals of African descent in gnomAD. At this time, the clinical significance of this variant is uncertain due to the absence of conclusive functional and genetic evidence.

NM_001267550.2(TTN):c.69215T>A (p.Ile23072Asn)

Genes: TTN (titin; minus strand), TTN-AS1 (TTN antisense RNA 1; plus strand). Cytogenetic location: 2q31.2.
Variant type: single nucleotide variant.
Coding change: c.69215T>A on transcript NM_001267550.2 (MANE Select); coding-DNA position 69215, T replaced by A.
Protein change: p.Ile23072Asn; replaces isoleucine 23072 with asparagine.
Molecular consequence: missense variant.
Genome position (GRCh38, 1-based): chr2:178,577,120, A>T on the plus strand (T>A on the coding strand, the complement: TTN is on the minus strand). VCF-style: chr2-178577120-A-T. GRCh37 (hg19) VCF-style: chr2-179441847-A-T.
Other names: c.64292T>A, p.Ile21431Asn (NM_001256850.1); c.42020T>A, p.Ile14007Asn (NM_003319.4); c.61511T>A, p.Ile20504Asn (NM_133378.4); c.42395T>A, p.Ile14132Asn (NM_133432.3); c.42596T>A, p.Ile14199Asn (NM_133437.4); short protein forms I21431N, I14132N, I14199N, I14007N, I20504N, I23072N.
Identifiers: ClinVar variation 4991062 (VCV004991062.1).